The following is an entry in ClinVar:

ClinVar aggregate classification (germline): Conflicting classifications of pathogenicity. Review status: criteria provided, conflicting classifications (1 of 4 stars). 5 submissions from 5 submitters: Uncertain significance (2); Benign (1); Likely benign (1). 1 of the submissions does not count toward it. Last evaluated 2025-10-01.

Conditions:
Inborn genetic diseases. Identifiers: MedGen C0950123, MeSH D030342.
CREBBP-related disorder. Also called: CREBBP-related disorders; CREBBP-related condition.
Rubinstein-Taybi syndrome (RSTS). Identifiers: Orphanet 783, MedGen C0035934, MONDO:0019188.

Submissions (5):

Labcorp Genetics (formerly Invitae), Labcorp
Classification: Uncertain significance for Rubinstein-Taybi syndrome. Last evaluated: 2025-10-01. Review status: criteria provided, single submitter. Criteria: Invitae Variant Classification Sherloc (09022015). Collection method: clinical testing. Allele origin: germline.
Comment: This variant, c.2355_2366del, results in the deletion of 4 amino acid(s) of the CREBBP protein (p.Ala787_Gln790del), but otherwise preserves the integrity of the reading frame. This variant is present in population databases (rs755265819, gnomAD 0.06%), and has an allele count higher than expected for a pathogenic variant. This variant has not been reported in the literature in individuals affected with CREBBP-related conditions. ClinVar contains an entry for this variant (Variation ID: 289059). Experimental studies and prediction algorithms are not available or were not evaluated, and the functional significance of this variant is currently unknown. In summary, the available evidence is currently insufficient to determine the role of this variant in disease. Therefore, it has been classified as a Variant of Uncertain Significance.

Ambry Genetics
Classification: Likely benign for Inborn genetic diseases. Last evaluated: 2024-10-09. Review status: criteria provided, single submitter. Criteria: Ambry Variant Classification Scheme 2023. Collection method: clinical testing. Allele origin: germline.

GeneDx
Classification: Uncertain significance. Last evaluated: 2022-09-08. Review status: criteria provided, single submitter. Criteria: GeneDx Variant Classification Process June 2021. Collection method: clinical testing. Allele origin: germline. Affected: yes.
Comment: In-frame deletion of 4 amino acids in a non-repeat region; In silico analysis supports a deleterious effect on protein structure/function; Has not been previously published as pathogenic or benign to our knowledge

Eurofins Ntd Llc (ga)
Classification: Benign. Last evaluated: 2016-08-09. Review status: criteria provided, single submitter. Criteria: EGL Classification Definitions 2015. Collection method: clinical testing. Allele origin: germline. Observed: 1 variant allele, 1 heterozygote.

PreventionGenetics, part of Exact Sciences
Classification: Likely benign for CREBBP-related condition. Last evaluated: 2021-07-28. Review status: no assertion criteria provided. Collection method: clinical testing. Allele origin: germline. Not counted in ClinVar's aggregate classification.
Comment: This variant is classified as likely benign based on ACMG/AMP sequence variant interpretation guidelines (Richards et al. 2015 PMID: 25741868, with internal and published modifications).

NM_004380.3(CREBBP):c.2355_2366del (p.Ala787_Gln790del)

Gene: CREBBP (CREB binding lysine acetyltransferase; minus strand). Cytogenetic location: 16p13.3.
Variant type: Deletion.
Coding change: c.2355_2366del on transcript NM_004380.3 (MANE Select); coding-DNA positions 2355 to 2366, 12 bases deleted (CCAGGCGCCCGC).
Protein change: p.Ala787_Gln790del.
Molecular consequence: inframe deletion.
Genome position (GRCh38, 1-based): chr16:3,773,848-3,773,859, GCGGGCGCCTGG deleted on the plus strand (CCAGGCGCCCGC on the coding strand, the reverse complement: CREBBP is on the minus strand); deleting any 12 consecutive bases within chr16:3,773,848-3,773,861 gives the same sequence; the c. name uses the placement nearest the transcript's 3' end. VCF-style (leftmost placement, unchanged base first): chr16-3773847-AGCGGGCGCCTGG-A. GRCh37 (hg19) VCF-style: chr16-3823848-AGCGGGCGCCTGG-A.
Other names: c.2355_2366del12 (NM_004380.2); c.2241_2252del, p.Ala749_Gln752del (NM_001079846.1); c.2355_2366del (NM_004380.2).
Identifiers: ClinVar variation 289059 (VCV000289059.14), dbSNP rs755265819, ClinGen allele CA7870151.
Genomic context (GRCh38, chr16:3,773,847, plus strand): 5'-GCCCACACTCATCGCCCCGCTGGATGACGGGAACTGGTTCTGTGGCAGAAACTGGCTCTG[AGCGGGCGCCTGG>A]GCCATCATGTTGTTGGTGTGTGCACCCATCATGTTCGGAGGCTGAGGCATTCGGGAAGGA-3'